The following is an entry in ClinVar:

NM_001999.4(FBN2):c.533-11T>A

Gene: FBN2 (fibrillin 2; minus strand). Cytogenetic location: 5q23.3.
Variant type: single nucleotide variant.
Coding change: c.533-11T>A on transcript NM_001999.4 (MANE Select); 11 bases into the intron before coding-DNA position 533, T replaced by A.
Molecular consequence: intron variant.
Genome position (GRCh38, 1-based): chr5:128,519,379, A>T on the plus strand (T>A on the coding strand, the complement: FBN2 is on the minus strand). VCF-style: chr5-128519379-A-T. GRCh37 (hg19) VCF-style: chr5-127855072-A-T.
Identifiers: ClinVar variation 2115106 (VCV002115106.4), dbSNP rs2479790094, ClinGen allele CA2580072593.

ClinVar aggregate classification (germline): Uncertain significance (1 of 4 stars; one submission).

Conditions:
Congenital contractural arachnodactyly (CCA). Also called: BEALS SYNDROME; Arthrogryposis, distal, type 9; Beals-Hecht syndrome. Identifiers: Orphanet 115, MedGen C0220668, MONDO:0007363, OMIM 121050.

Submission:

Labcorp Genetics (formerly Invitae), Labcorp
Classification: Uncertain significance for Congenital contractural arachnodactyly. Last evaluated: 2022-03-20. Review status: criteria provided, single submitter. Criteria: Invitae Variant Classification Sherloc (09022015). Collection method: clinical testing. Allele origin: germline.
Comment: Algorithms developed to predict the effect of sequence changes on RNA splicing suggest that this variant may create or strengthen a splice site. This variant has not been reported in the literature in individuals affected with FBN2-related conditions. This variant is not present in population databases (gnomAD no frequency). This sequence change falls in intron 4 of the FBN2 gene. It does not directly change the encoded amino acid sequence of the FBN2 protein. In summary, the available evidence is currently insufficient to determine the role of this variant in disease. Therefore, it has been classified as a Variant of Uncertain Significance.